The following is an entry in ClinVar:

ClinVar aggregate classification (germline): Conflicting classifications of pathogenicity. Review status: criteria provided, conflicting classifications (1 of 4 stars). 6 submissions from 6 submitters: Uncertain significance (5); Likely benign (1). Last evaluated 2026-08-14.

Conditions:
VPS13B-related disorder. Also called: VPS13B-related condition.
Inborn genetic diseases. Identifiers: MedGen C0950123, MeSH D030342.
Cohen syndrome (COH1). Also called: PEPPER SYNDROME; Cutis verticis gyrata, retinitis pigmentosa, and sensorineural deafness. Identifiers: Orphanet 193, MedGen C0265223, MONDO:0008999, OMIM 216550.

Allele frequency attached by ClinVar (database versions not stated): ExAC 0.00002; gnomAD exomes 0.00002 and 0.00004; TOPMed 0.00002.
gnomAD v4.1: 30 of 1,614,022 alleles (0.0019%); highest among the groups gnomAD compares: Admixed American, 0.017%; no homozygotes.

Submissions (6):

PreventionGenetics, part of Exact Sciences
Classification: Uncertain significance for VPS13B-related condition. Last evaluated: 2026-08-14. Review status: criteria provided, single submitter. Criteria: ACMG Guidelines, 2015. Collection method: clinical testing. Allele origin: germline.
Comment: The VPS13B c.5396G>A variant is predicted to result in the amino acid substitution p.Arg1799His. To our knowledge, this variant has not been reported in the literature. This variant is reported in 0.023% of alleles in individuals of Latino descent in gnomAD. At this time, the clinical significance of this variant is uncertain due to the absence of conclusive functional and genetic evidence.

Ambry Genetics
Classification: Likely benign for Inborn genetic diseases. Last evaluated: 2024-07-10. Review status: criteria provided, single submitter. Criteria: Ambry Variant Classification Scheme 2023. Collection method: clinical testing. Allele origin: germline.

Labcorp Genetics (formerly Invitae), Labcorp
Classification: Uncertain significance for Cohen syndrome. Last evaluated: 2022-10-17. Review status: criteria provided, single submitter. Criteria: Invitae Variant Classification Sherloc (09022015). Collection method: clinical testing. Allele origin: germline.
Comment: This sequence change replaces arginine, which is basic and polar, with histidine, which is basic and polar, at codon 1824 of the VPS13B protein (p.Arg1824His). This variant is present in population databases (rs755227174, gnomAD 0.02%). This variant has not been reported in the literature in individuals affected with VPS13B-related conditions. ClinVar contains an entry for this variant (Variation ID: 196919). Advanced modeling of protein sequence and biophysical properties (such as structural, functional, and spatial information, amino acid conservation, physicochemical variation, residue mobility, and thermodynamic stability) performed at Invitae indicates that this missense variant is not expected to disrupt VPS13B protein function. In summary, the available evidence is currently insufficient to determine the role of this variant in disease. Therefore, it has been classified as a Variant of Uncertain Significance.

Genetic Services Laboratory, University of Chicago
Classification: Uncertain significance. Last evaluated: 2022-01-18. Review status: criteria provided, single submitter. Criteria: ACMG Guidelines, 2015. Collection method: clinical testing. Allele origin: germline. Affected: no.

Illumina Laboratory Services, Illumina
Classification: Uncertain significance for Cohen syndrome. Last evaluated: 2018-01-13. Review status: criteria provided, single submitter. Criteria: ICSL Variant Classification Criteria 13 December 2019. Collection method: clinical testing. Allele origin: germline.

Eurofins Ntd Llc (ga)
Classification: Uncertain significance. Last evaluated: 2015-04-28. Review status: criteria provided, single submitter. Criteria: EGL Classification Definitions 2015. Collection method: clinical testing. Allele origin: germline. Observed: 1 variant allele, 1 heterozygote.

NM_152564.5(VPS13B):c.5396G>A (p.Arg1799His)

Gene: VPS13B (vacuolar protein sorting 13 homolog B; plus strand). Cytogenetic location: 8q22.2.
Variant type: single nucleotide variant.
Coding change: c.5396G>A on transcript NM_152564.5 (MANE Select); coding-DNA position 5396, G replaced by A.
Protein change: p.Arg1799His; replaces arginine 1799 with histidine.
Molecular consequence: missense variant.
Genome position (GRCh38, 1-based): chr8:99,641,986, G>A. VCF-style: chr8-99641986-G-A. GRCh37 (hg19) VCF-style: chr8-100654214-G-A.
Other names: c.5471G>A, p.Arg1824His (NM_017890.5); c.5471G>A (NM_017890.3); c.5396G>A (NM_152564.4); short protein forms R1799H, R1824H.
Identifiers: ClinVar variation 196919 (VCV000196919.17), dbSNP rs755227174, ClinGen allele CA244724.